The following is an entry in ClinVar:

NM_014049.5(ACAD9):c.854T>A (p.Ile285Asn)

Gene: ACAD9 (acyl-CoA dehydrogenase family member 9; plus strand). Cytogenetic location: 3q21.3.
Variant type: single nucleotide variant.
Coding change: c.854T>A on transcript NM_014049.5 (MANE Select); coding-DNA position 854, T replaced by A.
Protein change: p.Ile285Asn; replaces isoleucine 285 with asparagine.
Molecular consequence: missense variant. On other transcripts: non-coding transcript variant (1).
Genome position (GRCh38, 1-based): chr3:128,901,321, T>A. VCF-style: chr3-128901321-T-A. GRCh37 (hg19) VCF-style: chr3-128620164-T-A.
Other names: c.485T>A, p.Ile162Asn (NM_001410805.1); short protein forms I285N, I162N.
Identifiers: ClinVar variation 2140896 (VCV002140896.3), dbSNP rs1559826616, ClinGen allele CA354435061.
Genomic context (GRCh38, chr3:128,901,321, plus strand): 5'-TTTCATGTGTTTCAGCTTGTGAAGTCCATTTTGAAAACACCAAGATACCTGTGGAAAACA[T>A]CCTTGGAGAGGTCGGAGATGGGTTTAAGGTGAGTTGCCAGCCACAGCCCCTTGTACCAGG-3'
Protein context (NP_054768.2, residues 275-295): FENTKIPVEN[Ile285Asn]LGEVGDGFKV

ClinVar aggregate classification (germline): Uncertain significance (1 of 4 stars; one submission).

Allele frequency attached by ClinVar (database versions not stated): gnomAD exomes 0.00001.
gnomAD v4.1: 20 of 1,614,164 alleles (0.0012%); highest among the groups gnomAD compares: Non-Finnish European, 0.0016%; no homozygotes.

Submission:

Labcorp Genetics (formerly Invitae), Labcorp
Classification: Uncertain significance. Last evaluated: 2023-10-13. Review status: criteria provided, single submitter. Criteria: Invitae Variant Classification Sherloc (09022015). Collection method: clinical testing. Allele origin: germline.
Comment: This sequence change replaces isoleucine, which is neutral and non-polar, with asparagine, which is neutral and polar, at codon 285 of the ACAD9 protein (p.Ile285Asn). This variant is not present in population databases (gnomAD no frequency). This variant has not been reported in the literature in individuals affected with ACAD9-related conditions. ClinVar contains an entry for this variant (Variation ID: 2140896). Advanced modeling of protein sequence and biophysical properties (such as structural, functional, and spatial information, amino acid conservation, physicochemical variation, residue mobility, and thermodynamic stability) performed at Invitae indicates that this missense variant is not expected to disrupt ACAD9 protein function. In summary, the available evidence is currently insufficient to determine the role of this variant in disease. Therefore, it has been classified as a Variant of Uncertain Significance.